The following is an entry in ClinVar:

NM_024642.5(GALNT12):c.764C>T (p.Pro255Leu)

Gene: GALNT12 (polypeptide N-acetylgalactosaminyltransferase 12; plus strand). Cytogenetic location: 9q22.33.
Variant type: single nucleotide variant.
Coding change: c.764C>T on transcript NM_024642.5 (MANE Select); coding-DNA position 764, C replaced by T.
Protein change: p.Pro255Leu; replaces proline 255 with leucine.
Molecular consequence: missense variant.
Genome position (GRCh38, 1-based): chr9:98,831,804, C>T. VCF-style: chr9-98831804-C-T. GRCh37 (hg19) VCF-style: chr9-101594086-C-T.
Other names: short protein forms P255L.
Identifiers: ClinVar variation 827172 (VCV000827172.15), dbSNP rs758330743, ClinGen allele CA5154052.

ClinVar aggregate classification (germline): Uncertain significance. Review status: criteria provided, multiple submitters, no conflicts (2 of 4 stars). 3 submissions from 3 submitters: Uncertain significance (3). Last evaluated 2025-02-17.

Conditions:
Colorectal cancer, susceptibility to, 1. Also called: COLORECTAL ADENOMA AND CANCER, SUSCEPTIBILITY TO; COLORECTAL CANCER, SUSCEPTIBILITY TO, ON CHROMOSOME 9. Identifiers: MedGen C1837315, MONDO:0012132, OMIM 608812.

Allele frequency attached by ClinVar (database versions not stated): gnomAD 0.00001; ExAC 0.00002; gnomAD exomes 0.00002; TOPMed 0.00002.
gnomAD v4.1: 29 of 1,613,986 alleles (0.0018%); highest among the groups gnomAD compares: South Asian, 0.0066%; no homozygotes.

Submissions (3):

Labcorp Genetics (formerly Invitae), Labcorp
Classification: Uncertain significance. Last evaluated: 2025-02-17. Review status: criteria provided, single submitter. Criteria: Invitae Variant Classification Sherloc (09022015). Collection method: clinical testing. Allele origin: germline.
Comment: This sequence change replaces proline, which is neutral and non-polar, with leucine, which is neutral and non-polar, at codon 255 of the GALNT12 protein (p.Pro255Leu). This variant is present in population databases (rs758330743, gnomAD 0.01%). This variant has not been reported in the literature in individuals affected with GALNT12-related conditions. ClinVar contains an entry for this variant (Variation ID: 827172). Invitae Evidence Modeling of protein sequence and biophysical properties (such as structural, functional, and spatial information, amino acid conservation, physicochemical variation, residue mobility, and thermodynamic stability) indicates that this missense variant is expected to disrupt GALNT12 protein function with a positive predictive value of 80%. In summary, the available evidence is currently insufficient to determine the role of this variant in disease. Therefore, it has been classified as a Variant of Uncertain Significance.

Ambry Genetics
Classification: Uncertain significance. Last evaluated: 2024-10-28. Review status: criteria provided, single submitter. Criteria: Ambry Variant Classification Scheme 2023. Collection method: clinical testing. Allele origin: germline.
Comment: The p.P255L variant (also known as c.764C>T), located in coding exon 4 of the GALNT12 gene, results from a C to T substitution at nucleotide position 764. The proline at codon 255 is replaced by leucine, an amino acid with similar properties. This amino acid position is highly conserved in available vertebrate species. In addition, this alteration is predicted to be deleterious by in silico analysis. Since supporting evidence is limited at this time, the clinical significance of this alteration remains unclear.

Baylor Genetics
Classification: Uncertain significance for Colorectal cancer, susceptibility to, 1. Last evaluated: 2024-03-09. Review status: criteria provided, single submitter. Criteria: ACMG Guidelines, 2015. Collection method: clinical testing. Allele origin: unknown.